The following is an entry in ClinVar:

ClinVar aggregate classification (germline): Uncertain significance. Review status: criteria provided, multiple submitters, no conflicts (2 of 4 stars). 4 submissions from 4 submitters: Uncertain significance (3). 1 of the submissions does not count toward it. Last evaluated 2023-06-26.

Conditions:
Classic or attenuated familial adenomatous polyposis. Identifiers: MedGen CN372698, MONDO:0021057.
Hereditary cancer-predisposing syndrome. Also called: Tumor predisposition; Hereditary neoplastic syndrome; Neoplastic Syndromes, Hereditary; Hereditary Cancer Syndrome. Identifiers: Orphanet 140162, MedGen C0027672, MeSH D009386, MONDO:0015356.
Familial adenomatous polyposis 1 (FAP1). Also called: FAMILIAL ADENOMATOUS POLYPOSIS 1, ATTENUATED; POLYPOSIS, ADENOMATOUS INTESTINAL. Identifiers: MedGen C2713442, MONDO:0021056, OMIM 175100. Disease mechanism: loss of function.

Allele frequency attached by ClinVar (database versions not stated): gnomAD exomes below 0.00001.

Submissions (4):

All of Us Research Program, National Institutes of Health
Classification: Uncertain significance for Classic or attenuated familial adenomatous polyposis. Last evaluated: 2023-06-26. Review status: criteria provided, single submitter. Criteria: ACMG Guidelines, 2015. Collection method: clinical testing. Allele origin: germline. Inheritance: Autosomal dominant inheritance. Observed: 1 variant allele, 1 heterozygote.
Comment: This variant causes the deletion of three amino acid residues and the insertion of a single lysine in the APC protein. To our knowledge, functional studies have not been reported for this variant. This variant has not been reported in individuals affected with APC-related disorders in the literature. This variant has not been identified in the general population by the Genome Aggregation Database (gnomAD). The available evidence is insufficient to determine the role of this variant in disease conclusively. Therefore, this variant is classified as a Variant of Uncertain Significance.

This study involves interpretation of variants in research participants for the purpose of population health screening. Participant phenotype was not available at the time of variant classification. Additional details can be found in publication PMID: 35346344, PMCID: PMC8962531

Myriad Genetics, Inc.
Classification: Uncertain significance for Familial adenomatous polyposis 1. Last evaluated: 2023-02-14. Review status: criteria provided, single submitter. Criteria: Myriad Autosomal Dominant, Autosomal Recessive and X-Linked Classification Criteria (2023). Collection method: clinical testing. Allele origin: unknown.
Comment: This variant is classified as a variant of uncertain significance as there is insufficient evidence to determine its impact on protein function and/or cancer risk.

Ambry Genetics
Classification: Uncertain significance for Hereditary cancer-predisposing syndrome. Last evaluated: 2019-05-10. Review status: criteria provided, single submitter. Criteria: Ambry Variant Classification Scheme 2023. Collection method: clinical testing. Allele origin: germline.
Comment: The c.3179_3184delTAAAAC variant (also known as p.I1060_Q1062delinsK) is located in coding exon 15 of the APC gene. This variant results from an in-frame TAAAAC deletion at nucleotide positions 3179 to 3184, resulting in the deletion of three residues (IKQ) and insertion of a single lysine. This amino acid region is well conserved in available vertebrate species. Since supporting evidence is limited at this time, the clinical significance of this alteration remains unclear.

Counsyl
Classification: Uncertain significance for Familial adenomatous polyposis 1. Last evaluated: 2016-10-27. Review status: no assertion criteria provided. Collection method: clinical testing. Allele origin: unknown. Not counted in ClinVar's aggregate classification.

NM_000038.6(APC):c.3179_3184del (p.Ile1060_Gln1062delinsLys)

Gene: APC (APC regulator of Wnt signaling pathway; plus strand). Cytogenetic location: 5q22.2.
Variant type: Deletion.
Coding change: c.3179_3184del on transcript NM_000038.6 (MANE Select); coding-DNA positions 3179 to 3184, 6 bases deleted (TAAAAC; older notation c.3179_3184delTAAAAC).
Protein change: p.Ile1060_Gln1062delinsLys.
Molecular consequence: inframe indel.
Genome position (GRCh38, 1-based): chr5:112,838,773-112,838,778, TAAAAC deleted. VCF-style (leftmost placement, unchanged base first): chr5-112838772-ATAAAAC-A. GRCh37 (hg19) VCF-style: chr5-112174469-ATAAAAC-A.
Other names: c.2330_2335del, p.Ile777_Gln779delinsLys (NM_001354906.2); c.3179_3184del, p.Ile1060_Gln1062delinsLys (NM_001127510.3, NM_001354895.2); c.3125_3130del, p.Ile1042_Gln1044delinsLys (NM_001127511.3); c.3233_3238del, p.Ile1078_Gln1080delinsLys (NM_001354896.2); c.3209_3214del, p.Ile1070_Gln1072delinsLys (NM_001354897.2); c.3104_3109del, p.Ile1035_Gln1037delinsLys (NM_001354898.2); c.3095_3100del, p.Ile1032_Gln1034delinsLys (NM_001354899.2); c.3056_3061del, p.Ile1019_Gln1021delinsLys (NM_001354900.2); and 6 more.
Identifiers: ClinVar variation 372039 (VCV000372039.9), dbSNP rs1057517624, ClinGen allele CA16042094.